The following is an entry in ClinVar:

ClinVar aggregate classification (germline): Pathogenic (1 of 4 stars; one submission).

Conditions:
Familial thoracic aortic aneurysm and aortic dissection (TAAD). Also called: Thoracic aortic aneurysms and dissections. Identifiers: Orphanet 91387, MedGen C4707243, MONDO:0019625.
Marfan syndrome (MFS). Also called: MARFAN SYNDROME, TYPE I; Marfan syndrome type 1; Marfan's syndrome; Marfan syndrome, classic; FBN1-Related Marfan Syndrome. Identifiers: Orphanet 284963, Orphanet 558, MedGen C0024796, MONDO:0007947, OMIM 154700.

Submission:

Labcorp Genetics (formerly Invitae), Labcorp
Classification: Pathogenic for Marfan syndrome; Familial thoracic aortic aneurysm and aortic dissection. Last evaluated: 2025-04-03. Review status: criteria provided, single submitter. Criteria: Invitae Variant Classification Sherloc (09022015). Collection method: clinical testing. Allele origin: germline.
Comment: This sequence change replaces cysteine, which is neutral and slightly polar, with tryptophan, which is neutral and slightly polar, at codon 1889 of the FBN1 protein (p.Cys1889Trp). This variant is not present in population databases (gnomAD no frequency). This missense change has been observed in individual(s) with Marfan syndrome (internal data). ClinVar contains an entry for this variant (Variation ID: 2002728). Invitae Evidence Modeling of protein sequence and biophysical properties (such as structural, functional, and spatial information, amino acid conservation, physicochemical variation, residue mobility, and thermodynamic stability) indicates that this missense variant is expected to disrupt FBN1 protein function with a positive predictive value of 95%. This variant affects a cysteine residue in the EGF-like, TGFBP or hybrid motif domains of FBN1. Cysteine residues are believed to be involved in intramolecular disulfide bridges and have been shown to be important for FBN1 protein structure (PMID: 16905551, 19349279). In addition, missense substitutions affecting cysteine residues within these domains are significantly overrepresented among patients with Marfan syndrome (PMID: 16571647, 17701892). This variant disrupts the p.Cys1889 amino acid residue in FBN1. Other variant(s) that disrupt this residue have been observed in individuals with FBN1-related conditions (PMID: 19293843, 19863550), which suggests that this may be a clinically significant amino acid residue. For these reasons, this variant has been classified as Pathogenic.

Literature cited by the submitters: PubMed 16905551; PubMed 19349279; PubMed 16571647; PubMed 17701892; PubMed 19293843; PubMed 19863550.

NM_000138.5(FBN1):c.5667C>G (p.Cys1889Trp)

Gene: FBN1 (fibrillin 1; minus strand). Cytogenetic location: 15q21.1.
Variant type: single nucleotide variant.
Coding change: c.5667C>G on transcript NM_000138.5 (MANE Select); coding-DNA position 5667, C replaced by G.
Protein change: p.Cys1889Trp; replaces cysteine 1889 with tryptophan.
Molecular consequence: missense variant.
Genome position (GRCh38, 1-based): chr15:48,448,772, G>C on the plus strand (C>G on the coding strand, the complement: FBN1 is on the minus strand). VCF-style: chr15-48448772-G-C. GRCh37 (hg19) VCF-style: chr15-48740969-G-C.
Other names: c.5667C>G, p.Cys1889Trp (NM_001406716.1); short protein forms C1889W.
Identifiers: ClinVar variation 2002728 (VCV002002728.4), dbSNP rs2505463082, ClinGen allele CA392341653.